The following is an entry in ClinVar:

ClinVar aggregate classification (germline): Uncertain significance (1 of 4 stars; one submission).

Conditions:
Deficiency of malonyl-CoA decarboxylase. Also called: Malonic aciduria; MCD deficiency. Identifiers: Orphanet 943, MedGen C0342793, MONDO:0009556, OMIM 248360.

Submission:

Labcorp Genetics (formerly Invitae), Labcorp
Classification: Uncertain significance for Deficiency of malonyl-CoA decarboxylase. Last evaluated: 2023-12-28. Review status: criteria provided, single submitter. Criteria: Invitae Variant Classification Sherloc (09022015). Collection method: clinical testing. Allele origin: germline.
Comment: This sequence change replaces arginine, which is basic and polar, with leucine, which is neutral and non-polar, at codon 128 of the MLYCD protein (p.Arg128Leu). This variant is not present in population databases (gnomAD no frequency). This variant has not been reported in the literature in individuals affected with MLYCD-related conditions. An algorithm developed to predict the effect of missense changes on protein structure and function (PolyPhen-2) suggests that this variant is likely to be disruptive. In summary, the available evidence is currently insufficient to determine the role of this variant in disease. Therefore, it has been classified as a Variant of Uncertain Significance.

NM_012213.3(MLYCD):c.383G>T (p.Arg128Leu)

Gene: MLYCD (malonyl-CoA decarboxylase; plus strand). Cytogenetic location: 16q23.3.
Variant type: single nucleotide variant.
Coding change: c.383G>T on transcript NM_012213.3 (MANE Select); coding-DNA position 383, G replaced by T.
Protein change: p.Arg128Leu; replaces arginine 128 with leucine.
Molecular consequence: missense variant.
Genome position (GRCh38, 1-based): chr16:83,899,527, G>T. VCF-style: chr16-83899527-G-T. GRCh37 (hg19) VCF-style: chr16-83933132-G-T.
Other names: short protein forms R128L.
Identifiers: ClinVar variation 2783271 (VCV002783271.3), dbSNP rs1437124227, ClinGen allele CA396918223.